The following is an entry in ClinVar:

NM_020975.6(RET):c.391T>C (p.Ser131Pro)

Gene: RET (ret proto-oncogene; plus strand). Cytogenetic location: 10q11.21.
Variant type: single nucleotide variant.
Coding change: c.391T>C on transcript NM_020975.6 (MANE Select); coding-DNA position 391, T replaced by C.
Protein change: p.Ser131Pro; replaces serine 131 with proline.
Molecular consequence: missense variant.
Genome position (GRCh38, 1-based): chr10:43,102,395, T>C. VCF-style: chr10-43102395-T-C. GRCh37 (hg19) VCF-style: chr10-43597843-T-C.
Other names: c.391T>C, p.Ser131Pro (NM_000323.2, NM_001406743.1, NM_001406744.1 and 16 more transcripts); short protein forms S131P.
Identifiers: ClinVar variation 650107 (VCV000650107.13), dbSNP rs375576038, ClinGen allele CA043552.
Genomic context (GRCh38, chr10:43,102,395, plus strand): 5'-TCTGCAGACCGCGGCTTTCCCCTGCTCACCGTCTACCTCAAGGTCTTCCTGTCACCCACA[T>C]CCCTTCGTGAGGGCGAGTGCCAGTGGCCAGGCTGTGCCCGCGTATACTTCTCCTTCTTCA-3'
Protein context (NP_066124.1, residues 121-141): VYLKVFLSPT[Ser131Pro]LREGECQWPG

ClinVar aggregate classification (germline): Conflicting classifications of pathogenicity. Review status: criteria provided, conflicting classifications (1 of 4 stars). 3 submissions from 3 submitters: Uncertain significance (2); Likely benign (1). Last evaluated 2025-12-17.

Conditions:
Hereditary cancer-predisposing syndrome. Also called: Neoplastic Syndromes, Hereditary; Hereditary neoplastic syndrome; Tumor predisposition; Hereditary Cancer Syndrome. Identifiers: Orphanet 140162, MedGen C0027672, MeSH D009386, MONDO:0015356.
Multiple endocrine neoplasia, type 2 (MEN2). Identifiers: Orphanet 653, MedGen C4048306, MONDO:0019003. Disease mechanism: gain of function.

Allele frequency attached by ClinVar (database versions not stated): gnomAD exomes below 0.00001 and 0.00001; ExAC 0.00001; ESP Exome Variant Server 0.00008.
gnomAD v4.1: 6 of 1,614,224 alleles (0.00037%); highest among the groups gnomAD compares: Non-Finnish European, 0.00042%; no homozygotes.

Submissions (3):

Ambry Genetics
Classification: Likely benign for Hereditary cancer-predisposing syndrome. Last evaluated: 2025-12-17. Review status: criteria provided, single submitter. Criteria: Ambry Variant Classification Scheme 2023. Collection method: clinical testing. Allele origin: germline.

All of Us Research Program, National Institutes of Health
Classification: Uncertain significance for Multiple endocrine neoplasia, type 2. Last evaluated: 2024-03-05. Review status: criteria provided, single submitter. Criteria: ACMG Guidelines, 2015. Collection method: clinical testing. Allele origin: germline. Inheritance: Autosomal dominant inheritance. Observed: 1 variant allele, 1 heterozygote.
Comment: This study involves interpretation of variants in research participants for the purpose of population health screening. Participant phenotype was not available at the time of variant classification. Additional details can be found in publication PMID: 35346344, PMCID: PMC8962531

Labcorp Genetics (formerly Invitae), Labcorp
Classification: Uncertain significance for Multiple endocrine neoplasia, type 2. Last evaluated: 2023-12-14. Review status: criteria provided, single submitter. Criteria: Invitae Variant Classification Sherloc (09022015). Collection method: clinical testing. Allele origin: germline.
Comment: This sequence change replaces serine, which is neutral and polar, with proline, which is neutral and non-polar, at codon 131 of the RET protein (p.Ser131Pro). This variant is present in population databases (rs375576038, gnomAD 0.002%). This variant has not been reported in the literature in individuals affected with RET-related conditions. ClinVar contains an entry for this variant (Variation ID: 650107). Algorithms developed to predict the effect of missense changes on protein structure and function output the following: SIFT: "Not Available"; PolyPhen-2: "Benign"; Align-GVGD: "Not Available". The proline amino acid residue is found in multiple mammalian species, which suggests that this missense change does not adversely affect protein function. In summary, the available evidence is currently insufficient to determine the role of this variant in disease. Therefore, it has been classified as a Variant of Uncertain Significance.